The following is an entry in ClinVar:

NM_001378183.1(PIEZO2):c.5851G>A (p.Glu1951Lys)

Gene: PIEZO2 (piezo type mechanosensitive ion channel component 2; minus strand). Cytogenetic location: 18p11.22.
Variant type: single nucleotide variant.
Coding change: c.5851G>A on transcript NM_001378183.1 (MANE Select); coding-DNA position 5851, G replaced by A.
Protein change: p.Glu1951Lys; replaces glutamic acid 1951 with lysine.
Molecular consequence: missense variant.
Genome position (GRCh38, 1-based): chr18:10,705,484, C>T on the plus strand (G>A on the coding strand, the complement: PIEZO2 is on the minus strand). VCF-style: chr18-10705484-C-T. GRCh37 (hg19) VCF-style: chr18-10705482-C-T.
Other names: c.5512G>A, p.Glu1838Lys (NM_022068.4); short protein forms E1951K, E1838K.
Identifiers: ClinVar variation 1368752 (VCV001368752.6), dbSNP rs770251243, ClinGen allele CA295991425.

ClinVar aggregate classification (germline): Uncertain significance (1 of 4 stars; one submission).

Allele frequency attached by ClinVar (database versions not stated): gnomAD exomes 0.00001.
gnomAD v4.1: 13 of 1,537,118 alleles (0.00085%); highest among the groups gnomAD compares: Admixed American, 0.002%; no homozygotes.

Submission:

Labcorp Genetics (formerly Invitae), Labcorp
Classification: Uncertain significance. Last evaluated: 2022-10-17. Review status: criteria provided, single submitter. Criteria: Invitae Variant Classification Sherloc (09022015). Collection method: clinical testing. Allele origin: germline.
Comment: ClinVar contains an entry for this variant (Variation ID: 1368752). This sequence change replaces glutamic acid, which is acidic and polar, with lysine, which is basic and polar, at codon 1838 of the PIEZO2 protein (p.Glu1838Lys). The frequency data for this variant in the population databases is considered unreliable, as metrics indicate poor data quality at this position in the gnomAD database. This variant has not been reported in the literature in individuals affected with PIEZO2-related conditions. Advanced modeling of protein sequence and biophysical properties (such as structural, functional, and spatial information, amino acid conservation, physicochemical variation, residue mobility, and thermodynamic stability) performed at Invitae indicates that this missense variant is not expected to disrupt PIEZO2 protein function. In summary, the available evidence is currently insufficient to determine the role of this variant in disease. Therefore, it has been classified as a Variant of Uncertain Significance.